The following is an entry in ClinVar:

NM_000059.4(BRCA2):c.7189A>G (p.Ile2397Val)

Gene: BRCA2 (BRCA2 DNA repair associated; plus strand). Cytogenetic location: 13q13.1.
Variant type: single nucleotide variant.
Coding change: c.7189A>G on transcript NM_000059.4 (MANE Select); coding-DNA position 7189, A replaced by G.
Protein change: p.Ile2397Val; replaces isoleucine 2397 with valine.
Molecular consequence: missense variant. On other transcripts: non-coding transcript variant (1).
Genome position (GRCh38, 1-based): chr13:32,355,042, A>G. VCF-style: chr13-32355042-A-G. GRCh37 (hg19) VCF-style: chr13-32929179-A-G.
Other names: c.7093A>G, p.Ile2365Val (NM_001406719.1); c.7189A>G, p.Ile2397Val (NM_001406720.1, NM_001432077.1); c.2257A>G, p.Ile753Val (NM_001406721.1); c.772A>G, p.Ile258Val (NM_001406722.1); short protein forms I2397V, I258V, I753V, I2365V.
Identifiers: ClinVar variation 3482104 (VCV003482104.1).

ClinVar aggregate classification (germline): Uncertain significance (1 of 4 stars; one submission).

Conditions:
Hereditary cancer-predisposing syndrome. Also called: Tumor predisposition; Neoplastic Syndromes, Hereditary; Hereditary Cancer Syndrome; Hereditary neoplastic syndrome. Identifiers: Orphanet 140162, MedGen C0027672, MeSH D009386, MONDO:0015356.

Submission:

Ambry Genetics
Classification: Uncertain significance for Hereditary cancer-predisposing syndrome. Last evaluated: 2024-09-21. Review status: criteria provided, single submitter. Criteria: Ambry Variant Classification Scheme 2023. Collection method: clinical testing. Allele origin: germline.
Comment: The p.I2397V variant (also known as c.7189A>G), located in coding exon 13 of the BRCA2 gene, results from an A to G substitution at nucleotide position 7189. The isoleucine at codon 2397 is replaced by valine, an amino acid with highly similar properties. This amino acid position is conserved. In addition, this alteration is predicted to be tolerated by in silico analysis. Based on the available evidence, the clinical significance of this variant remains unclear.